The following is an entry in ClinVar:

ClinVar aggregate classification (germline): Uncertain significance (1 of 4 stars; one submission).

gnomAD v4.1: 1 of 1,611,156 alleles (0.000062%); highest among the groups gnomAD compares: Non-Finnish European, 0.000085%; no homozygotes.

Submission:

Labcorp Genetics (formerly Invitae), Labcorp
Classification: Uncertain significance. Last evaluated: 2023-10-28. Review status: criteria provided, single submitter. Criteria: Invitae Variant Classification Sherloc (09022015). Collection method: clinical testing. Allele origin: germline.
Comment: This sequence change replaces arginine, which is basic and polar, with glycine, which is neutral and non-polar, at codon 268 of the MSH3 protein (p.Arg268Gly). This variant is not present in population databases (gnomAD no frequency). This variant has not been reported in the literature in individuals affected with MSH3-related conditions. An algorithm developed to predict the effect of missense changes on protein structure and function (PolyPhen-2) suggests that this variant is likely to be disruptive. In summary, the available evidence is currently insufficient to determine the role of this variant in disease. Therefore, it has been classified as a Variant of Uncertain Significance.

NM_002439.5(MSH3):c.802C>G (p.Arg268Gly)

Gene: MSH3 (mutS homolog 3; plus strand). Cytogenetic location: 5q14.1.
Variant type: single nucleotide variant.
Coding change: c.802C>G on transcript NM_002439.5 (MANE Select); coding-DNA position 802, C replaced by G.
Protein change: p.Arg268Gly; replaces arginine 268 with glycine.
Molecular consequence: missense variant.
Genome position (GRCh38, 1-based): chr5:80,672,253, C>G. VCF-style: chr5-80672253-C-G. GRCh37 (hg19) VCF-style: chr5-79968072-C-G.
Other names: short protein forms R268G.
Identifiers: ClinVar variation 2770482 (VCV002770482.3), dbSNP rs201033017, ClinGen allele CA360267066.
Genomic context (GRCh38, chr5:80,672,253, plus strand): 5'-AGGGAATCTTAAAATATAAATTTATTGATATTTTCTTTTTTCATTTTTTAGATTGCAGCC[C>G]GAGAGCTCAATATTTATTGCCATTTAGATCACAACTTTATGACAGCAAGTATACCTACTC-3'
Protein context (NP_002430.3, residues 258-278): FFGEDAEIAA[Arg268Gly]ELNIYCHLDH